The following is an entry in ClinVar:

ClinVar aggregate classification (germline): Uncertain significance. Review status: criteria provided, multiple submitters, no conflicts (2 of 4 stars). 3 submissions from 3 submitters: Uncertain significance (3). Last evaluated 2024-08-16.

Conditions:
Hypertrophic cardiomyopathy 14. Identifiers: MedGen C2750467, MONDO:0013197, OMIM 613251.

Allele frequency attached by ClinVar (database versions not stated): gnomAD exomes below 0.00001 and 0.00001.
gnomAD v4.1: 6 of 1,614,058 alleles (0.00037%); highest among the groups gnomAD compares: Non-Finnish European, 0.00051%; no homozygotes.

Submissions (3):

Blueprint Genetics
Classification: Uncertain significance. Last evaluated: 2024-08-16. Review status: criteria provided, single submitter. Criteria: ACMG Guidelines, 2015. Collection method: clinical testing. Allele origin: germline.

Labcorp Genetics (formerly Invitae), Labcorp
Classification: Uncertain significance for Hypertrophic cardiomyopathy 14. Last evaluated: 2023-11-20. Review status: criteria provided, single submitter. Criteria: Invitae Variant Classification Sherloc (09022015). Collection method: clinical testing. Allele origin: germline.
Comment: This sequence change replaces threonine, which is neutral and polar, with methionine, which is neutral and non-polar, at codon 177 of the MYH6 protein (p.Thr177Met). This variant is present in population databases (no rsID available, gnomAD 0.002%). This variant has not been reported in the literature in individuals affected with MYH6-related conditions. ClinVar contains an entry for this variant (Variation ID: 1677502). An algorithm developed to predict the effect of missense changes on protein structure and function (PolyPhen-2) suggests that this variant is likely to be disruptive. In summary, the available evidence is currently insufficient to determine the role of this variant in disease. Therefore, it has been classified as a Variant of Uncertain Significance.

AiLife Diagnostics
Classification: Uncertain significance. Last evaluated: 2021-09-17. Review status: criteria provided, single submitter. Criteria: ACMG Guidelines, 2015. Collection method: clinical testing. Allele origin: germline. Affected: yes. Observed: 1 variant allele.

NM_002471.4(MYH6):c.530C>T (p.Thr177Met)

Genes: MYH6 (myosin heavy chain 6; minus strand), LOC114827851 (VISTA enhancer hs2155; plus strand). Cytogenetic location: 14q11.2.
Variant type: single nucleotide variant.
Coding change: c.530C>T on transcript NM_002471.4 (MANE Select); coding-DNA position 530, C replaced by T.
Protein change: p.Thr177Met; replaces threonine 177 with methionine.
Molecular consequence: missense variant.
Genome position (GRCh38, 1-based): chr14:23,405,100, G>A on the plus strand (C>T on the coding strand, the complement: MYH6 is on the minus strand). VCF-style: chr14-23405100-G-A. GRCh37 (hg19) VCF-style: chr14-23874309-G-A.
Other names: short protein forms T177M.
Identifiers: ClinVar variation 1677502 (VCV001677502.5), dbSNP rs1223199964, ClinGen allele CA389029830.
Genomic context (GRCh38, chr14:23,405,100, plus strand): 5'-AGGCATCAGCGTGTATGCCCCCAGCCCAGTCCCTTCTGTGGGAGGATGGCACTCGCTCAC[G>A]TGATGAGGATGGACTGGTTCTCCCGATCTGGAAGAAAAAAGAGGAGAAGCAATGGGGTCA-3'
Protein context (NP_002462.2, residues 167-187): TDRENQSILI[Thr177Met]GESGAGKTVN